The following is an entry in ClinVar:

NM_000535.7(PMS2):c.1486C>T (p.His496Tyr)

Gene: PMS2 (PMS1 homolog 2, mismatch repair system component; minus strand). Cytogenetic location: 7p22.1.
Variant type: single nucleotide variant.
Coding change: c.1486C>T on transcript NM_000535.7 (MANE Select); coding-DNA position 1486, C replaced by T.
Protein change: p.His496Tyr; replaces histidine 496 with tyrosine.
Molecular consequence: missense variant. On other transcripts: non-coding transcript variant (1).
Genome position (GRCh38, 1-based): chr7:5,987,279, G>A on the plus strand (C>T on the coding strand, the complement: PMS2 is on the minus strand). VCF-style: chr7-5987279-G-A. GRCh37 (hg19) VCF-style: chr7-6026910-G-A.
Other names: c.1081C>T, p.His361Tyr (NM_001018040.1, NM_001322003.2, NM_001322004.2 and 17 more transcripts); c.1330C>T, p.His444Tyr (NM_001322006.2, NM_001406870.1); c.1168C>T, p.His390Tyr (NM_001322007.2, NM_001322008.2, NM_001406876.1 and 2 more transcripts); c.925C>T, p.His309Tyr (NM_001322010.2, NM_001406906.1, NM_001406907.1); c.553C>T, p.His185Tyr (NM_001322011.2, NM_001322012.2); c.913C>T, p.His305Tyr (NM_001322013.2, NM_001406909.1); c.1486C>T, p.His496Tyr (NM_001322014.2, NM_001406871.1, NM_001406872.1); c.1177C>T, p.His393Tyr (NM_001322015.2, NM_001406875.1, NM_001406877.1 and 5 more transcripts); and 12 more; short protein forms H338Y, H374Y, H384Y, H390Y, H496Y, H185Y, H309Y, H341Y.
Identifiers: ClinVar variation 1773673 (VCV001773673.3), dbSNP rs1783075126, ClinGen allele CA366741812.
Genomic context (GRCh38, chr7:5,987,279, plus strand): 5'-TGCAGTGACTGCCCGTGTCTGGGATGCTGAACCCCTCAGAATCCACGGAAGTGCTGCCGT[G>A]CCCCGAGTCCTTCTCCACCTCCGCTCTGTCCGTAGGGTCACTGGGTCCGTGACTGGAACT-3'
Protein context (NP_000526.2, residues 486-506): DRAEVEKDSG[His496Tyr]GSTSVDSEGF

ClinVar aggregate classification (germline): Uncertain significance (1 of 4 stars; one submission).

Conditions:
Hereditary cancer-predisposing syndrome. Also called: Hereditary Cancer Syndrome; Hereditary neoplastic syndrome; Neoplastic Syndromes, Hereditary; Tumor predisposition. Identifiers: Orphanet 140162, MedGen C0027672, MeSH D009386, MONDO:0015356.

Submission:

Ambry Genetics
Classification: Uncertain significance for Hereditary cancer-predisposing syndrome. Last evaluated: 2023-06-23. Review status: criteria provided, single submitter. Criteria: Ambry Variant Classification Scheme 2023. Collection method: clinical testing. Allele origin: germline.
Comment: The p.H496Y variant (also known as c.1486C>T), located in coding exon 11 of the PMS2 gene, results from a C to T substitution at nucleotide position 1486. The histidine at codon 496 is replaced by tyrosine, an amino acid with similar properties. This amino acid position is not well conserved in available vertebrate species. In addition, this alteration is predicted to be tolerated by in silico analysis. Since supporting evidence is limited at this time, the clinical significance of this alteration remains unclear.